The following is an entry in ClinVar:

NM_181712.5(KANK4):c.918del (p.Asn306fs)

Gene: KANK4 (KN motif and ankyrin repeat domains 4; minus strand). Cytogenetic location: 1p31.3.
Variant type: Deletion.
Coding change: c.918del on transcript NM_181712.5 (MANE Select); coding-DNA position 918, one base deleted (C; older notation c.918delC).
Protein change: p.Asn306fs; shifts the reading frame from asparagine 306.
Molecular consequence: frameshift variant. On other transcripts: intron variant (1).
Genome position (GRCh38, 1-based): chr1:62,274,186, G deleted on the plus strand (C on the coding strand, the reverse complement: KANK4 is on the minus strand). VCF-style (leftmost placement, unchanged base first): chr1-62274185-TG-T. GRCh37 (hg19) VCF-style: chr1-62739857-TG-T.
Other names: c.17-2597del (NM_001320269.2); short protein forms N306fs.
Identifiers: ClinVar variation 2886599 (VCV002886599.3), dbSNP rs745509202, ClinGen allele CA884462.

ClinVar aggregate classification (germline): Uncertain significance (1 of 4 stars; one submission).

Allele frequency attached by ClinVar (database versions not stated): gnomAD 0.00001; gnomAD exomes 0.00004; TOPMed 0.00011; ExAC 0.00018.

Submission:

Labcorp Genetics (formerly Invitae), Labcorp
Classification: Uncertain significance. Last evaluated: 2023-08-27. Review status: criteria provided, single submitter. Criteria: Invitae Variant Classification Sherloc (09022015). Collection method: clinical testing. Allele origin: germline.
Comment: In summary, the available evidence is currently insufficient to determine the role of this variant in disease. Therefore, it has been classified as a Variant of Uncertain Significance. Experimental studies and prediction algorithms are not available or were not evaluated, and the functional significance of this variant is currently unknown. This variant has not been reported in the literature in individuals affected with KANK4-related conditions. This variant is present in population databases (rs745509202, gnomAD 0.1%), and has an allele count higher than expected for a pathogenic variant. This sequence change creates a premature translational stop signal (p.Asn306Lysfs*11) in the KANK4 gene. It is expected to result in an absent or disrupted protein product. However, the current clinical and genetic evidence is not sufficient to establish whether loss-of-function variants in KANK4 cause disease.